The following is an entry in ClinVar:

ClinVar aggregate classification (germline): Uncertain significance (1 of 4 stars; one submission).

Conditions:
Mitochondrial complex II deficiency, nuclear type 1. Also called: SUCCINATE CoQ REDUCTASE DEFICIENCY. Identifiers: Orphanet 3208, MedGen C5700310, MONDO:0100294, OMIM 252011.
Pheochromocytoma/paraganglioma syndrome 5. Also called: Paragangliomas 5; SDHA-Related Hereditary Paraganglioma-Pheochromocytoma Syndrome. Identifiers: Orphanet 29072, MedGen C3279992, MONDO:0013602, OMIM 614165.

Allele frequency attached by ClinVar (database versions not stated): gnomAD exomes below 0.00001; ExAC 0.00001; ESP Exome Variant Server 0.00008.

Submission:

Labcorp Genetics (formerly Invitae), Labcorp
Classification: Uncertain significance for Pheochromocytoma/paraganglioma syndrome 5; Mitochondrial complex II deficiency, nuclear type 1. Last evaluated: 2021-11-02. Review status: criteria provided, single submitter. Criteria: Invitae Variant Classification Sherloc (09022015). Collection method: clinical testing. Allele origin: germline.
Comment: In summary, the available evidence is currently insufficient to determine the role of this variant in disease. Therefore, it has been classified as a Variant of Uncertain Significance. Algorithms developed to predict the effect of missense changes on protein structure and function (SIFT, PolyPhen-2, Align-GVGD) all suggest that this variant is likely to be disruptive. This variant has not been reported in the literature in individuals affected with SDHA-related conditions. This variant is present in population databases (rs373067620, gnomAD 0.007%). This sequence change replaces glycine, which is neutral and non-polar, with aspartic acid, which is acidic and polar, at codon 382 of the SDHA protein (p.Gly382Asp).

NM_004168.4(SDHA):c.1145G>A (p.Gly382Asp)

Gene: SDHA (succinate dehydrogenase complex flavoprotein subunit A; plus strand). Cytogenetic location: 5p15.33.
Variant type: single nucleotide variant.
Coding change: c.1145G>A on transcript NM_004168.4 (MANE Select); coding-DNA position 1145, G replaced by A.
Protein change: p.Gly382Asp; replaces glycine 382 with aspartic acid.
Molecular consequence: missense variant.
Genome position (GRCh38, 1-based): chr5:235,224, G>A. VCF-style: chr5-235224-G-A. GRCh37 (hg19) VCF-style: chr5-235339-G-A.
Other names: c.1001G>A, p.Gly334Asp (NM_001294332.2); c.1145G>A, p.Gly382Asp (NM_001330758.2); short protein forms G334D, G382D.
Identifiers: ClinVar variation 1460509 (VCV001460509.6), dbSNP rs373067620, ClinGen allele CA3173119.